The following is an entry in ClinVar:

ClinVar aggregate classification (germline): Conflicting classifications of pathogenicity. Review status: criteria provided, conflicting classifications (1 of 4 stars). 9 submissions from 8 submitters: Uncertain significance (4); Likely benign (4). 1 of the submissions does not count toward it. Last evaluated 2026-09-25.

Conditions:
Inherited breast cancer and ovarian cancer.
BRCA2-related disorder. Also called: BRCA2-related condition; BRCA2-related disorders. Identifiers: MedGen CN239275.
Hereditary cancer-predisposing syndrome. Also called: Neoplastic Syndromes, Hereditary; Tumor predisposition; Hereditary neoplastic syndrome; Hereditary Cancer Syndrome. Identifiers: Orphanet 140162, MedGen C0027672, MeSH D009386, MONDO:0015356.
Hereditary breast ovarian cancer syndrome. Also called: Hereditary breast and/or ovarian cancer syndrome; Hereditary breast and ovarian cancer syndrome; Hereditary breast and ovarian cancer; Hereditary breast and ovarian cancer syndrome (HBOC); Breast and ovarian cancer; BRCA1- and BRCA2-Associated Hereditary Breast and Ovarian Cancer. Identifiers: Orphanet 145, MedGen C0677776, MeSH D061325, MONDO:0003582. Disease mechanism: loss of function.
Fanconi anemia complementation group D1. Also called: BRCA2-Related Fanconi Anemia. Identifiers: Orphanet 319462, MedGen C1838457, MONDO:0011584, OMIM 605724.
Breast-ovarian cancer, familial, susceptibility to, 2 (BROVCA2). Also called: BRCA2 Hereditary Breast and Ovarian Cancer. Identifiers: Orphanet 145, MedGen C2675520, MONDO:0012933, OMIM 612555. Disease mechanism: loss of function.
Malignant tumor of breast. Also called: Malignant breast neoplasm; Cancer breast. Identifiers: MedGen C0006142, MONDO:0007254. Disease mechanism: loss of function.

Allele frequency attached by ClinVar (database versions not stated): TOPMed below 0.00001.
gnomAD v4.1: 28 of 1,614,082 alleles (0.0017%); highest among the groups gnomAD compares: Non-Finnish European, 0.0023%; no homozygotes.

Submissions (9):

PreventionGenetics, part of Exact Sciences
Classification: Uncertain significance for BRCA2-related condition. Last evaluated: 2026-09-25. Review status: criteria provided, single submitter. Criteria: ACMG Guidelines, 2015. Collection method: clinical testing. Allele origin: germline.
Comment: The BRCA2 c.3497T>A variant is predicted to result in the amino acid substitution p.Val1166Asp. This variant has been reported in an individual with breast cancer who also carried an additional BRCA2 variant (Supplementary data, Lerner-Ellis et al. 2020. PubMed ID: 32885271). This variant is reported in 0.00088% of alleles in individuals of European (non-Finnish) descent in gnomAD and has conflicting classifications in ClinVar ranging from likely benign to uncertain (Variation ID: 186700). Although we suspect this variant may be benign, at this time, the clinical significance of the c.3497T>A variant is uncertain due to the absence of conclusive functional and genetic evidence.

Labcorp Genetics (formerly Invitae), Labcorp
Classification: Uncertain significance for Hereditary breast ovarian cancer syndrome. Last evaluated: 2025-07-30. Review status: criteria provided, single submitter. Criteria: Invitae Variant Classification Sherloc (09022015). Collection method: clinical testing. Allele origin: germline.
Comment: This sequence change replaces valine, which is neutral and non-polar, with aspartic acid, which is acidic and polar, at codon 1166 of the BRCA2 protein (p.Val1166Asp). This variant is present in population databases (rs762886975, gnomAD 0.0009%). This variant has not been reported in the literature in individuals affected with BRCA2-related conditions. ClinVar contains an entry for this variant (Variation ID: 186700). Invitae Evidence Modeling of protein sequence and biophysical properties (such as structural, functional, and spatial information, amino acid conservation, physicochemical variation, residue mobility, and thermodynamic stability) indicates that this missense variant is not expected to disrupt BRCA2 protein function with a negative predictive value of 95%. In summary, the available evidence is currently insufficient to determine the role of this variant in disease. Therefore, it has been classified as a Variant of Uncertain Significance.

Ambry Genetics
Classification: Likely benign for Hereditary cancer-predisposing syndrome. Last evaluated: 2025-05-08. Review status: criteria provided, single submitter. Criteria: Ambry Variant Classification Scheme 2023. Collection method: clinical testing. Allele origin: germline.

Myriad Genetics, Inc.
Classification: Likely benign for Breast-ovarian cancer, familial, susceptibility to, 2. Last evaluated: 2024-06-25. Review status: criteria provided, single submitter. Criteria: Myriad Autosomal Dominant, Autosomal Recessive and X-Linked Classification Criteria (2023). Collection method: clinical testing. Allele origin: unknown.
Comment: This variant is considered likely benign. This variant is strongly associated with less severe personal and family histories of cancer, typical for individuals without pathogenic variants in this gene [PMID: 25085752].

Genomics and Molecular Medicine Service, East Genomic Laboratory Hub, NHS Genomic Medicine Service
Classification: Likely benign for Inherited breast cancer and ovarian cancer. Last evaluated: 2024-05-08. Review status: criteria provided, single submitter. Criteria: ACGS Best Practice Guidelines for Variant Classification in Rare Disease 2020. Collection method: clinical testing. Allele origin: germline. Affected: yes.
Comment: BP1,BP4

University of Washington Department of Laboratory Medicine, University of Washington
Classification: Likely benign for Hereditary cancer-predisposing syndrome. Last evaluated: 2023-03-23. Review status: criteria provided, single submitter. Criteria: Dines et al. (Genet Med. 2020). Collection method: curation. Allele origin: germline.
Comment: Missense variant in a coldspot region where missense variants are very unlikely to be pathogenic (PMID:31911673).

BRCA2 exon 11 coldspot. Reclassification based on statistical prior probability.

Illumina Laboratory Services, Illumina
Classification: Uncertain significance for Fanconi anemia complementation group D1. Last evaluated: 2018-01-12. Review status: criteria provided, single submitter. Criteria: ICSL Variant Classification Criteria 13 December 2019. Collection method: clinical testing. Allele origin: germline.

Illumina Laboratory Services, Illumina
Classification: Uncertain significance for Breast-ovarian cancer, familial, susceptibility to, 2. Last evaluated: 2018-01-12. Review status: criteria provided, single submitter. Criteria: ICSL Variant Classification Criteria 13 December 2019. Collection method: clinical testing. Allele origin: germline.

Department of Pathology and Laboratory Medicine, Sinai Health System
Classification: Uncertain significance for Malignant tumor of breast. Review status: no assertion criteria provided. Collection method: clinical testing. Allele origin: unknown. Affected: yes. Study: The Canadian Open Genetics Repository (COGR). Not counted in ClinVar's aggregate classification.
Comment: The BRCA2 p.Val1166Asp variant was not identified in the literature nor was it identified in the LOVD 3.0, or UMD-LSDB, databases. The variant was identified in dbSNP (ID: rs762886975) as "With Uncertain significance allele", and in ClinVar (classified as uncertain significance by Ambry Genetics and Invitae). The variant was identified in control databases in 1 of 245596 chromosomes at a frequency of 0.000004 (Genome Aggregation Database Feb 27, 2017). The variant was observed in the European population in 1 of 111150 chromosomes (freq: 0.000009), while the variant was not observed in the African, Other, Latino, Ashkenazi Jewish, East Asian, European Finnish, and South Asian populations. The p.Val1166 residue is not conserved in mammals and four out of five computational analyses (PolyPhen-2, SIFT, AlignGVGD, BLOSUM, MutationTaster) do not suggest a high likelihood of impact to the protein; however, this information is not predictive enough to rule out pathogenicity. The variant occurs outside of the splicing consensus sequence and in silico or computational prediction software programs (SpliceSiteFinder, MaxEntScan, NNSPLICE, GeneSplicer) do not predict a difference in splicing. In summary, based on the above information the clinical significance of this variant cannot be determined with certainty at this time. This variant is classified as a variant of uncertain significance.

Literature cited by the submitters: PubMed 32885271 (cited by Ambry Genetics); PubMed 25085752 (cited by Myriad Genetics, Inc.).

NM_000059.4(BRCA2):c.3497T>A (p.Val1166Asp)

Gene: BRCA2 (BRCA2 DNA repair associated; plus strand). Cytogenetic location: 13q13.1.
Variant type: single nucleotide variant.
Coding change: c.3497T>A on transcript NM_000059.4 (MANE Select); coding-DNA position 3497, T replaced by A.
Protein change: p.Val1166Asp; replaces valine 1166 with aspartic acid.
Molecular consequence: missense variant.
Genome position (GRCh38, 1-based): chr13:32,337,852, T>A. VCF-style: chr13-32337852-T-A. GRCh37 (hg19) VCF-style: chr13-32911989-T-A.
Other names: short protein forms V1166D.
Identifiers: ClinVar variation 186700 (VCV000186700.23), dbSNP rs762886975, ClinGen allele CA018181.